The following is an entry in ClinVar:

ClinVar aggregate classification (germline): Likely benign. Review status: criteria provided, multiple submitters, no conflicts (2 of 4 stars). 7 submissions from 7 submitters: Likely benign (4). 3 of the submissions do not count toward it. Last evaluated 2026-01-28.

Conditions:
NUP107-related disorder. Also called: NUP107-related condition.

Allele frequency attached by ClinVar (database versions not stated): gnomAD 0.00106 and 0.00127; ESP Exome Variant Server 0.00131; TOPMed 0.00131; 1000 Genomes Project 30x 0.00156; 1000 Genomes Project 0.00160; gnomAD exomes 0.00186 and 0.00193; ExAC 0.00204.
gnomAD v4.1: 3,029 of 1,602,854 alleles (0.19%); highest among the groups gnomAD compares: Middle Eastern, 1.6%; 15 homozygotes.

Submissions (7):

Labcorp Genetics (formerly Invitae), Labcorp
Classification: Likely benign. Last evaluated: 2026-01-28. Review status: criteria provided, single submitter. Criteria: Invitae Variant Classification Sherloc (09022015). Collection method: clinical testing. Allele origin: germline.

Mayo Clinic Laboratories, Mayo Clinic
Classification: Likely benign. Last evaluated: 2025-02-24. Review status: criteria provided, single submitter. Criteria: ACMG Guidelines, 2015. Collection method: clinical testing. Allele origin: germline. Observed: 1 variant allele.
Comment: BS1, BP4_moderate

CeGaT Center for Human Genetics Tuebingen
Classification: Likely benign. Last evaluated: 2023-07-01. Review status: criteria provided, single submitter. Criteria: CeGaT Center For Human Genetics Tuebingen Variant Classification Criteria Version 2. Collection method: clinical testing. Allele origin: germline. Affected: yes. Observed: 2 variant alleles.
Comment: NUP107: BP4, BS2

Breakthrough Genomics
Classification: Likely benign. Review status: criteria provided, single submitter. Criteria: ACMG Guidelines, 2015. Collection method: not provided. Allele origin: germline. Inheritance: Autosomal recessive inheritance. Affected: yes.

PreventionGenetics, part of Exact Sciences
Classification: Likely benign for NUP107-related condition. Last evaluated: 2020-06-22. Review status: no assertion criteria provided. Collection method: clinical testing. Allele origin: germline. Not counted in ClinVar's aggregate classification.
Comment: This variant is classified as likely benign based on ACMG/AMP sequence variant interpretation guidelines (Richards et al. 2015 PMID: 25741868, with internal and published modifications).

Clinical Genetics DNA and cytogenetics Diagnostics Lab, Erasmus MC, Erasmus Medical Center
Classification: Likely benign. Review status: no assertion criteria provided. Collection method: clinical testing. Allele origin: germline. Affected: yes. Study: VKGL Data-share Consensus. Not counted in ClinVar's aggregate classification.

Genome Diagnostics Laboratory, University Medical Center Utrecht
Classification: Likely benign. Review status: no assertion criteria provided. Collection method: clinical testing. Allele origin: germline. Affected: yes. Study: VKGL Data-share Consensus. Not counted in ClinVar's aggregate classification.

NM_020401.4(NUP107):c.751A>T (p.Thr251Ser)

Gene: NUP107 (nucleoporin 107; plus strand). Cytogenetic location: 12q15.
Variant type: single nucleotide variant.
Coding change: c.751A>T on transcript NM_020401.4 (MANE Select); coding-DNA position 751, A replaced by T.
Protein change: p.Thr251Ser; replaces threonine 251 with serine.
Molecular consequence: missense variant.
Genome position (GRCh38, 1-based): chr12:68,709,259, A>T. VCF-style: chr12-68709259-A-T. GRCh37 (hg19) VCF-style: chr12-69103039-A-T.
Other names: p.Thr251Ser; c.664A>T, p.Thr222Ser (NM_001330192.2); short protein forms T222S, T251S.
Identifiers: ClinVar variation 737574 (VCV000737574.39), dbSNP rs61756065, ClinGen allele CA6677544.